The following is an entry in ClinVar:

NM_000548.5(TSC2):c.2207C>T (p.Ala736Val)

Gene: TSC2 (TSC complex subunit 2; plus strand). Cytogenetic location: 16p13.3.
Variant type: single nucleotide variant.
Coding change: c.2207C>T on transcript NM_000548.5 (MANE Select); coding-DNA position 2207, C replaced by T.
Protein change: p.Ala736Val; replaces alanine 736 with valine.
Molecular consequence: missense variant.
Genome position (GRCh38, 1-based): chr16:2,072,350, C>T. VCF-style: chr16-2072350-C-T. GRCh37 (hg19) VCF-style: chr16-2122351-C-T.
Other names: c.2207C>T, p.Ala736Val (NM_001077183.3, NM_001114382.3, NM_001363528.2 and 3 more transcripts); c.2096C>T, p.Ala699Val (NM_001318827.2); c.2060C>T, p.Ala687Val (NM_001318829.2); c.1607C>T, p.Ala536Val (NM_001318831.2); c.2240C>T, p.Ala747Val (NM_001318832.2); short protein forms A747V, A699V, A736V, A536V, A687V.
Identifiers: ClinVar variation 703051 (VCV000703051.12), dbSNP rs764259520, ClinGen allele CA037145.

ClinVar aggregate classification (germline): Benign/Likely benign. Review status: criteria provided, multiple submitters, no conflicts (2 of 4 stars). 3 submissions from 3 submitters: Benign (1); Likely benign (2). Last evaluated 2025-12-28.

Conditions:
Tuberous sclerosis 2 (TSC2). Identifiers: Orphanet 805, MedGen C1860707, MONDO:0013199, OMIM 613254.
Hereditary cancer-predisposing syndrome. Also called: Tumor predisposition; Hereditary neoplastic syndrome; Neoplastic Syndromes, Hereditary; Hereditary Cancer Syndrome. Identifiers: Orphanet 140162, MedGen C0027672, MeSH D009386, MONDO:0015356.

Allele frequency attached by ClinVar (database versions not stated): gnomAD exomes 0.00002 and 0.00005; ExAC 0.00005.
gnomAD v4.1: 28 of 1,614,124 alleles (0.0017%); highest among the groups gnomAD compares: South Asian, 0.029%; 1 homozygote.

Submissions (3):

Labcorp Genetics (formerly Invitae), Labcorp
Classification: Benign for Tuberous sclerosis 2. Last evaluated: 2025-12-28. Review status: criteria provided, single submitter. Criteria: Invitae Variant Classification Sherloc (09022015). Collection method: clinical testing. Allele origin: germline.

Myriad Genetics, Inc.
Classification: Likely benign for Tuberous sclerosis 2. Last evaluated: 2024-08-12. Review status: criteria provided, single submitter. Criteria: Myriad Autosomal Dominant, Autosomal Recessive and X-Linked Classification Criteria (2023). Collection method: clinical testing. Allele origin: unknown.
Comment: This variant is considered likely benign. This variant has been observed at a population frequency that is significantly greater than expected given the associated disease prevalence and penetrance.

Ambry Genetics
Classification: Likely benign for Hereditary cancer-predisposing syndrome. Last evaluated: 2021-05-08. Review status: criteria provided, single submitter. Criteria: Ambry Variant Classification Scheme 2023. Collection method: clinical testing. Allele origin: germline.